The following is an entry in ClinVar:

ClinVar aggregate classification (germline): Uncertain significance (1 of 4 stars; one submission).

Conditions:
Congenital myotonia, autosomal recessive form. Also called: Becker Generalized Myotonia; BECKER DISEASE; myotonia congenita, autosomal recessive. Identifiers: Orphanet 614, MedGen C0751360, MONDO:0009715, OMIM 255700.
Congenital myotonia, autosomal dominant form (THD). Also called: THOMSEN DISEASE; Myotonia congenita autosomal dominant. Identifiers: Orphanet 614, MedGen C2936781, MONDO:0008055, OMIM 160800.

Allele frequency attached by ClinVar (database versions not stated): TOPMed 0.00003.
gnomAD v4.1: 14 of 1,614,130 alleles (0.00087%); highest among the groups gnomAD compares: Admixed American, 0.0033%; no homozygotes.

Submission:

Labcorp Genetics (formerly Invitae), Labcorp
Classification: Uncertain significance for Congenital myotonia, autosomal recessive form; Congenital myotonia, autosomal dominant form. Last evaluated: 2021-08-27. Review status: criteria provided, single submitter. Criteria: Invitae Variant Classification Sherloc (09022015). Collection method: clinical testing. Allele origin: germline.
Comment: This sequence change replaces phenylalanine with cysteine at codon 212 of the CLCN1 protein (p.Phe212Cys). The phenylalanine residue is moderately conserved and there is a large physicochemical difference between phenylalanine and cysteine. This variant is not present in population databases (ExAC no frequency). This variant has not been reported in the literature in individuals affected with CLCN1-related conditions. Algorithms developed to predict the effect of missense changes on protein structure and function are either unavailable or do not agree on the potential impact of this missense change (SIFT: "Deleterious"; PolyPhen-2: "Probably Damaging"; Align-GVGD: "Class C0"). In summary, the available evidence is currently insufficient to determine the role of this variant in disease. Therefore, it has been classified as a Variant of Uncertain Significance.

NM_000083.3(CLCN1):c.635T>G (p.Phe212Cys)

Gene: CLCN1 (chloride voltage-gated channel 1; plus strand). Cytogenetic location: 7q34.
Variant type: single nucleotide variant.
Coding change: c.635T>G on transcript NM_000083.3 (MANE Select); coding-DNA position 635, T replaced by G.
Protein change: p.Phe212Cys; replaces phenylalanine 212 with cysteine.
Molecular consequence: missense variant. On other transcripts: non-coding transcript variant (1).
Genome position (GRCh38, 1-based): chr7:143,321,787, T>G. VCF-style: chr7-143321787-T-G. GRCh37 (hg19) VCF-style: chr7-143018880-T-G.
Other names: short protein forms F212C.
Identifiers: ClinVar variation 531753 (VCV000531753.6), dbSNP rs201113768, ClinGen allele CA168256321.
Genomic context (GRCh38, chr7:143,321,787, plus strand): 5'-CCGAAATGAAGACAATACTTCGTGGGGTTGTCCTGAAGGAATACCTCACAATGAAAGCCT[T>G]TGTGGCCAAGGTTGTCGCCCTGACTGCGGGCCTGGGCAGTGGCATCCCCGTGGGGAAAGA-3'
Protein context (NP_000074.3, residues 202-222): VLKEYLTMKA[Phe212Cys]VAKVVALTAG